The following is an entry in ClinVar:

ClinVar aggregate classification (germline): Likely pathogenic (1 of 4 stars; one submission).

Conditions:
Cystic fibrosis (CF). Also called: MUCOVISCIDOSIS. Identifiers: Orphanet 586, MedGen C0010674, MONDO:0009061, OMIM 219700. Disease mechanism: loss of function.

Submission:

Myriad Genetics, Inc.
Classification: Likely pathogenic for Cystic fibrosis. Last evaluated: 2019-02-13. Review status: criteria provided, single submitter. Criteria: Myriad Women's Health Autosomal Recessive and X-Linked Classification Criteria (2019). Collection method: clinical testing. Allele origin: unknown.
Comment: NM_000492.3(CFTR):c.741C>A(Y247*) is expected to be pathogenic in the context of cystic fibrosis. This variant is predicted to lead to an abnormal or absent protein product due to the creation of a premature termination codon in CFTR, a gene where loss-of-function variants are known to be pathogenic. Please note: this variant was assessed in the context of healthy population screening.

NM_000492.4(CFTR):c.741C>A (p.Tyr247Ter)

Gene: CFTR (CF transmembrane conductance regulator; plus strand). Cytogenetic location: 7q31.2.
Variant type: single nucleotide variant.
Coding change: c.741C>A on transcript NM_000492.4 (MANE Select); coding-DNA position 741, C replaced by A.
Protein change: p.Tyr247Ter; replaces tyrosine 247 with a stop codon.
Molecular consequence: nonsense.
Genome position (GRCh38, 1-based): chr7:117,535,409, C>A. VCF-style: chr7-117535409-C-A. GRCh37 (hg19) VCF-style: chr7-117175463-C-A.
Other names: short protein forms Y247*.
Identifiers: ClinVar variation 984341 (VCV000984341.3), dbSNP rs1800082, ClinGen allele CA368977223.